The following is an entry in ClinVar:

ClinVar aggregate classification (germline): Likely benign (1 of 4 stars; one submission).

Submission:

CeGaT Center for Human Genetics Tuebingen
Classification: Likely benign. Last evaluated: 2026-06-01. Review status: criteria provided, single submitter. Criteria: CeGaT Center For Human Genetics Tuebingen Variant Classification Criteria Version 2. Collection method: clinical testing. Allele origin: germline. Affected: yes. Observed: 1 variant allele.
Comment: KMT2C: PM2:Supporting, BP4, BP7

NM_170606.3(KMT2C):c.2433C>T (p.Ile811=)

Gene: KMT2C (lysine methyltransferase 2C; minus strand). Cytogenetic location: 7q36.1.
Variant type: single nucleotide variant.
Coding change: c.2433C>T on transcript NM_170606.3 (MANE Select); coding-DNA position 2433, C replaced by T.
Protein change: p.Ile811=; no amino-acid change (isoleucine 811 retained).
Molecular consequence: synonymous variant.
Genome position (GRCh38, 1-based): chr7:152,248,001, G>A on the plus strand (C>T on the coding strand, the complement: KMT2C is on the minus strand). VCF-style: chr7-152248001-G-A. GRCh37 (hg19) VCF-style: chr7-151945086-G-A.
Identifiers: ClinVar variation 4873736 (VCV004873736.2).